The following is an entry in ClinVar:

ClinVar aggregate classification (germline): Uncertain significance (1 of 4 stars; one submission).

Allele frequency attached by ClinVar (database versions not stated): ExAC 0.00001; gnomAD exomes 0.00001 and 0.00004; gnomAD 0.00002 and 0.00003; TOPMed 0.00003.

Submission:

Labcorp Genetics (formerly Invitae), Labcorp
Classification: Uncertain significance. Last evaluated: 2021-08-31. Review status: criteria provided, single submitter. Criteria: Invitae Variant Classification Sherloc (09022015). Collection method: clinical testing. Allele origin: germline.
Comment: This sequence change replaces arginine with histidine at codon 112 of the PIGV protein (p.Arg112His). The arginine residue is moderately conserved and there is a small physicochemical difference between arginine and histidine. This variant is present in population databases (rs757137280, ExAC 0.001%). This variant has not been reported in the literature in individuals affected with PIGV-related conditions. Algorithms developed to predict the effect of missense changes on protein structure and function are either unavailable or do not agree on the potential impact of this missense change (SIFT: "Tolerated"; PolyPhen-2: "Possibly Damaging"; Align-GVGD: "Class C0"). In summary, the available evidence is currently insufficient to determine the role of this variant in disease. Therefore, it has been classified as a Variant of Uncertain Significance.

NM_017837.4(PIGV):c.335G>A (p.Arg112His)

Gene: PIGV (phosphatidylinositol glycan anchor biosynthesis class V; plus strand). Cytogenetic location: 1p36.11.
Variant type: single nucleotide variant.
Coding change: c.335G>A on transcript NM_017837.4 (MANE Select); coding-DNA position 335, G replaced by A.
Protein change: p.Arg112His; replaces arginine 112 with histidine.
Molecular consequence: missense variant. On other transcripts: 5 prime UTR variant (1), non-coding transcript variant (1), intron variant (3).
Genome position (GRCh38, 1-based): chr1:26,794,369, G>A. VCF-style: chr1-26794369-G-A. GRCh37 (hg19) VCF-style: chr1-27120860-G-A.
Other names: c.335G>A, p.Arg112His (NM_001202554.2, NM_001374478.1, NM_001374480.1 and 2 more transcripts); c.-47G>A (NM_001374483.1); c.172+163G>A (NM_001374484.1, NM_001374485.1); c.79-3194G>A (NM_001374486.1); short protein forms R112H.
Identifiers: ClinVar variation 1430033 (VCV001430033.3), dbSNP rs757137280, ClinGen allele CA708040.
Genomic context (GRCh38, chr1:26,794,369, plus strand): 5'-CCTTGGCCCTGCTGGTGGGGACTGAACTGTTGAGACCCTTACGGGGGTTACTGAGTCTAC[G>A]CAGTTGCCTGCTGATTTCGGTAGCATCACTCAATTTCTTGTTCTTCATGTTGGCTGCAGT-3'
Protein context (NP_060307.2, residues 102-122): LRPLRGLLSL[Arg112His]SCLLISVASL